The following is an entry in ClinVar:

ClinVar aggregate classification (germline): Likely benign. Review status: criteria provided, multiple submitters, no conflicts (2 of 4 stars). 7 submissions from 7 submitters: Likely benign (6). 1 of the submissions does not count toward it. Last evaluated 2024-12-01.

Conditions:
AKT1-related disorder. Also called: AKT1-related condition.
Cowden syndrome 6 (CWS6). Identifiers: Orphanet 201, MedGen C3554519, MONDO:0014048, OMIM 615109.
Inborn genetic diseases. Identifiers: MedGen C0950123, MeSH D030342.

Allele frequency attached by ClinVar (database versions not stated): TOPMed 0.00003; gnomAD 0.00004 and 0.00005; ExAC 0.00005; gnomAD exomes 0.00006 and 0.00008; ESP Exome Variant Server 0.00008; 1000 Genomes Project 30x 0.00016; 1000 Genomes Project 0.00020.
gnomAD v4.1: 92 of 1,613,522 alleles (0.0057%); highest among the groups gnomAD compares: Middle Eastern, 0.3%; 1 homozygote.

Submissions (7):

CeGaT Center for Human Genetics Tuebingen
Classification: Likely benign. Last evaluated: 2024-12-01. Review status: criteria provided, single submitter. Criteria: CeGaT Center For Human Genetics Tuebingen Variant Classification Criteria Version 2. Collection method: clinical testing. Allele origin: germline. Affected: yes. Observed: 1 variant allele.
Comment: AKT1: BP4, BP7

Blueprint Genetics
Classification: Likely benign. Last evaluated: 2024-10-10. Review status: criteria provided, single submitter. Criteria: ACMG Guidelines, 2015. Collection method: clinical testing. Allele origin: germline.

Labcorp Genetics (formerly Invitae), Labcorp
Classification: Likely benign for Cowden syndrome 6. Last evaluated: 2023-10-20. Review status: criteria provided, single submitter. Criteria: Invitae Variant Classification Sherloc (09022015). Collection method: clinical testing. Allele origin: germline.

KCCC/NGS Laboratory, Kuwait Cancer Control Center
Classification: Likely benign for Cowden syndrome 6. Last evaluated: 2023-07-07. Review status: criteria provided, single submitter. Criteria: ACMG Guidelines, 2015. Collection method: clinical testing. Allele origin: germline. Affected: yes.

Ambry Genetics
Classification: Likely benign for Inborn genetic diseases. Last evaluated: 2022-02-12. Review status: criteria provided, single submitter. Criteria: Ambry Variant Classification Scheme 2023. Collection method: clinical testing. Allele origin: germline.

ARUP Laboratories, Molecular Genetics and Genomics, ARUP Laboratories
Classification: Likely benign. Last evaluated: 2019-03-18. Review status: criteria provided, single submitter. Criteria: ARUP Molecular Germline Variant Investigation Process. Collection method: clinical testing. Allele origin: germline.

PreventionGenetics, part of Exact Sciences
Classification: Likely benign for AKT1-related condition. Last evaluated: 2019-02-26. Review status: no assertion criteria provided. Collection method: clinical testing. Allele origin: germline. Not counted in ClinVar's aggregate classification.
Comment: This variant is classified as likely benign based on ACMG/AMP sequence variant interpretation guidelines (Richards et al. 2015 PMID: 25741868, with internal and published modifications).

NM_001382430.1(AKT1):c.1194C>T (p.Asp398=)

Gene: AKT1 (AKT serine/threonine kinase 1; minus strand). Cytogenetic location: 14q32.33.
Variant type: single nucleotide variant.
Coding change: c.1194C>T on transcript NM_001382430.1 (MANE Select); coding-DNA position 1194, C replaced by T.
Protein change: p.Asp398=; no amino-acid change (aspartic acid 398 retained).
Molecular consequence: synonymous variant.
Genome position (GRCh38, 1-based): chr14:104,772,431, G>A on the plus strand (C>T on the coding strand, the complement: AKT1 is on the minus strand). VCF-style: chr14-104772431-G-A. GRCh37 (hg19) VCF-style: chr14-105238768-G-A.
Other names: c.1194C>T, p.Asp398= (NM_001014431.2, NM_001014432.2, NM_001382431.1 and 3 more transcripts); c.1194C>T (NM_001014431.1).
Identifiers: ClinVar variation 473849 (VCV000473849.37), dbSNP rs151254374, ClinGen allele CA7374530.
Genomic context (GRCh38, chr14:104,772,431, plus strand): 5'-CTCGTACACGTGCTGCCACACGATACCGGCAAAGAAGCGATGCTGCATGATCTCCTTGGC[G>A]TCCTCGGAGCCCCCGCCAAGCCTGCAGGCAGGAAACAAGGCCACAGTGTCGGTACCGCCA-3'
Protein context (NP_001369359.1, residues 388-408): PKQRLGGGSE[Asp398=]AKEIMQHRFF